The following is an entry in ClinVar:

NM_144508.5(KNL1):c.2718A>G (p.Leu906=)

Gene: KNL1 (kinetochore scaffold 1; plus strand). Cytogenetic location: 15q15.1.
Variant type: single nucleotide variant.
Coding change: c.2718A>G on transcript NM_144508.5 (MANE Select); coding-DNA position 2718, A replaced by G.
Protein change: p.Leu906=; no amino-acid change (leucine 906 retained).
Molecular consequence: synonymous variant.
Genome position (GRCh38, 1-based): chr15:40,622,982, A>G. VCF-style: chr15-40622982-A-G. GRCh37 (hg19) VCF-style: chr15-40915180-A-G.
Other names: c.2796A>G, p.Leu932= (NM_170589.5).
Identifiers: ClinVar variation 2645180 (VCV002645180.24), dbSNP rs751611316, ClinGen allele CA7482905.

ClinVar aggregate classification (germline): Likely benign (1 of 4 stars; one submission).

Allele frequency attached by ClinVar (database versions not stated): gnomAD exomes below 0.00001; ExAC 0.00002.

Submission:

CeGaT Center for Human Genetics Tuebingen
Classification: Likely benign. Last evaluated: 2022-11-01. Review status: criteria provided, single submitter. Criteria: CeGaT Center For Human Genetics Tuebingen Variant Classification Criteria Version 2. Collection method: clinical testing. Allele origin: germline. Affected: yes. Observed: 1 variant allele.
Comment: KNL1: BP4, BP7